The following is an entry in ClinVar:

NM_020774.4(MIB1):c.2062G>A (p.Ala688Thr)

Gene: MIB1 (MIB E3 ubiquitin protein ligase 1; plus strand). Cytogenetic location: 18q11.2.
Variant type: single nucleotide variant.
Coding change: c.2062G>A on transcript NM_020774.4 (MANE Select); coding-DNA position 2062, G replaced by A.
Protein change: p.Ala688Thr; replaces alanine 688 with threonine.
Molecular consequence: missense variant.
Genome position (GRCh38, 1-based): chr18:21,844,104, G>A. VCF-style: chr18-21844104-G-A. GRCh37 (hg19) VCF-style: chr18-19424065-G-A.
Other names: short protein forms A688T.
Identifiers: ClinVar variation 3395766 (VCV003395766.1).

ClinVar aggregate classification (germline): Uncertain significance (1 of 4 stars; one submission).

Conditions:
Inborn genetic diseases. Identifiers: MedGen C0950123, MeSH D030342.

gnomAD v4.1: 1 of 1,613,944 alleles (0.000062%); highest among the groups gnomAD compares: Non-Finnish European, 0.000085%; no homozygotes.

Submission:

Ambry Genetics
Classification: Uncertain significance for Inborn genetic diseases. Last evaluated: 2024-09-02. Review status: criteria provided, single submitter. Criteria: Ambry Variant Classification Scheme 2023. Collection method: clinical testing. Allele origin: germline.
Comment: The p.A688T variant (also known as c.2062G>A), located in coding exon 15 of the MIB1 gene, results from a G to A substitution at nucleotide position 2062. The alanine at codon 688 is replaced by threonine, an amino acid with similar properties. This amino acid position is conserved. In addition, the in silico prediction for this alteration is inconclusive. Based on the available evidence, the clinical significance of this variant remains unclear.